The following is an entry in ClinVar:

NM_003072.5(SMARCA4):c.688C>T (p.Pro230Ser)

Gene: SMARCA4 (SWI/SNF related BAF chromatin remodeling complex subunit ATPase 4; plus strand). Cytogenetic location: 19p13.2.
Variant type: single nucleotide variant.
Coding change: c.688C>T on transcript NM_003072.5 (MANE Select); coding-DNA position 688, C replaced by T.
Protein change: p.Pro230Ser; replaces proline 230 with serine.
Molecular consequence: missense variant. On other transcripts: non-coding transcript variant (1).
Genome position (GRCh38, 1-based): chr19:10,986,521, C>T. VCF-style: chr19-10986521-C-T. GRCh37 (hg19) VCF-style: chr19-11097197-C-T.
Other names: c.688C>T, p.Pro230Ser (NM_001128844.3, NM_001128845.2, NM_001128846.2 and 5 more transcripts); short protein forms P230S.
Identifiers: ClinVar variation 470448 (VCV000470448.16), dbSNP rs760294422, ClinGen allele CA404056999.

ClinVar aggregate classification (germline): Uncertain significance. Review status: criteria provided, multiple submitters, no conflicts (2 of 4 stars). 3 submissions from 3 submitters: Uncertain significance (3). Last evaluated 2025-10-29.

Conditions:
Hereditary cancer-predisposing syndrome. Also called: Hereditary neoplastic syndrome; Neoplastic Syndromes, Hereditary; Tumor predisposition; Hereditary Cancer Syndrome. Identifiers: Orphanet 140162, MedGen C0027672, MeSH D009386, MONDO:0015356.
Intellectual disability, autosomal dominant 16 (CSS4). Also called: COFFIN-SIRIS SYNDROME 4. Identifiers: Orphanet 1465, MedGen C3553249, MONDO:0013821, OMIM 614609.
Rhabdoid tumor predisposition syndrome 2 (RTPS2). Identifiers: Orphanet 231108, Orphanet 69077, MedGen C2750074, MONDO:0013224, OMIM 613325.

Submissions (3):

Labcorp Genetics (formerly Invitae), Labcorp
Classification: Uncertain significance for Rhabdoid tumor predisposition syndrome 2. Last evaluated: 2025-10-29. Review status: criteria provided, single submitter. Criteria: Invitae Variant Classification Sherloc (09022015). Collection method: clinical testing. Allele origin: germline.
Comment: This sequence change replaces proline, which is neutral and non-polar, with serine, which is neutral and polar, at codon 230 of the SMARCA4 protein (p.Pro230Ser). This variant is not present in population databases (gnomAD no frequency). This variant has not been reported in the literature in individuals affected with SMARCA4-related conditions. ClinVar contains an entry for this variant (Variation ID: 470448). An algorithm developed to predict the effect of missense changes on protein structure and function (PolyPhen-2) suggests that this variant is likely to be disruptive. In summary, the available evidence is currently insufficient to determine the role of this variant in disease. Therefore, it has been classified as a Variant of Uncertain Significance.

Ambry Genetics
Classification: Uncertain significance for Hereditary cancer-predisposing syndrome. Last evaluated: 2025-03-31. Review status: criteria provided, single submitter. Criteria: Ambry Variant Classification Scheme 2023. Collection method: clinical testing. Allele origin: germline.
Comment: The p.P230S variant (also known as c.688C>T), located in coding exon 3 of the SMARCA4 gene, results from a C to T substitution at nucleotide position 688. The proline at codon 230 is replaced by serine, an amino acid with similar properties. This amino acid position is highly conserved in available vertebrate species. In addition, this alteration is predicted to be tolerated by in silico analysis. Since supporting evidence is limited at this time, the clinical significance of this alteration remains unclear.

Genome-Nilou Lab
Classification: Uncertain significance for Intellectual disability, autosomal dominant 16. Last evaluated: 2021-07-15. Review status: criteria provided, single submitter. Criteria: ACMG Guidelines, 2015. Collection method: clinical testing. Allele origin: germline. Affected: no.